The following is an entry in ClinVar:

ClinVar aggregate classification (germline): Pathogenic (0 of 4 stars; one submission).

Conditions:
Central core myopathy (CMYO1A). Also called: Central core disease; Myopathy, central fibrillar; CONGENITAL MYOPATHY 1A, AUTOSOMAL DOMINANT, WITH SUSCEPTIBILITY TO MALIGNANT HYPERTHERMIA. Identifiers: Orphanet 597, MedGen C5830701, MONDO:0007294, OMIM 117000.

Submission:

GeneReviews
Classification: Pathogenic for Central Core Disease. Last evaluated: 2010-05-11. Review status: no assertion criteria provided. Collection method: curation. Allele origin: unknown.
ClinVar note: Converted during submission from pathologic to Pathogenic.

Single allele

Variant type: Variation.
Identifiers: ClinVar variation 65970 (VCV000065970.2).